The following is an entry in ClinVar:

NM_175053.4(KRT74):c.1277A>G (p.Gln426Arg)

Gene: KRT74 (keratin 74; minus strand). Cytogenetic location: 12q13.13.
Variant type: single nucleotide variant.
Coding change: c.1277A>G on transcript NM_175053.4 (MANE Select); coding-DNA position 1277, A replaced by G.
Protein change: p.Gln426Arg; replaces glutamine 426 with arginine.
Molecular consequence: missense variant.
Genome position (GRCh38, 1-based): chr12:52,568,247, T>C on the plus strand (A>G on the coding strand, the complement: KRT74 is on the minus strand). VCF-style: chr12-52568247-T-C. GRCh37 (hg19) VCF-style: chr12-52962031-T-C.
Other names: c.1277A>G (NM_175053.3); short protein forms Q426R.
Identifiers: ClinVar variation 2139690 (VCV002139690.5), dbSNP rs144213270, ClinGen allele CA6583700.

ClinVar aggregate classification (germline): Uncertain significance. Review status: criteria provided, multiple submitters, no conflicts (2 of 4 stars). 2 submissions from 2 submitters: Uncertain significance (2). Last evaluated 2024-12-25.

Allele frequency attached by ClinVar (database versions not stated): gnomAD 0.00001; ESP Exome Variant Server 0.00008; ExAC 0.00001.
gnomAD v4.1: 2 of 1,614,058 alleles (0.00012%); highest among the groups gnomAD compares: Non-Finnish European, 0.00017%; no homozygotes.

Submissions (2):

Ambry Genetics
Classification: Uncertain significance. Last evaluated: 2024-12-25. Review status: criteria provided, single submitter. Criteria: Ambry Variant Classification Scheme 2023. Collection method: clinical testing. Allele origin: germline.

Labcorp Genetics (formerly Invitae), Labcorp
Classification: Uncertain significance. Last evaluated: 2022-05-29. Review status: criteria provided, single submitter. Criteria: Invitae Variant Classification Sherloc (09022015). Collection method: clinical testing. Allele origin: germline.
Comment: This sequence change replaces glutamine, which is neutral and polar, with arginine, which is basic and polar, at codon 426 of the KRT74 protein (p.Gln426Arg). This variant is present in population databases (rs144213270, gnomAD 0.002%). This variant has not been reported in the literature in individuals affected with KRT74-related conditions. Algorithms developed to predict the effect of missense changes on protein structure and function (SIFT, PolyPhen-2, Align-GVGD) all suggest that this variant is likely to be disruptive. In summary, the available evidence is currently insufficient to determine the role of this variant in disease. Therefore, it has been classified as a Variant of Uncertain Significance.